The following is an entry in ClinVar:

ClinVar aggregate classification (germline): Uncertain significance. Review status: criteria provided, multiple submitters, no conflicts (2 of 4 stars). 3 submissions from 3 submitters: Uncertain significance (3). Last evaluated 2025-04-30.

Allele frequency attached by ClinVar (database versions not stated): ExAC 0.00001; gnomAD exomes 0.00001; TOPMed 0.00001.
gnomAD v4.1: 21 of 1,614,106 alleles (0.0013%); highest among the groups gnomAD compares: Non-Finnish European, 0.0016%; no homozygotes.

Submissions (3):

Labcorp Genetics (formerly Invitae), Labcorp
Classification: Uncertain significance. Last evaluated: 2025-04-30. Review status: criteria provided, single submitter. Criteria: Invitae Variant Classification Sherloc (09022015). Collection method: clinical testing. Allele origin: germline.
Comment: This sequence change replaces glycine, which is neutral and non-polar, with aspartic acid, which is acidic and polar, at codon 274 of the VPS33A protein (p.Gly274Asp). This variant is present in population databases (rs762088973, gnomAD 0.004%). This variant has not been reported in the literature in individuals affected with VPS33A-related conditions. ClinVar contains an entry for this variant (Variation ID: 2336930). An algorithm developed to predict the effect of missense changes on protein structure and function (PolyPhen-2) suggests that this variant is likely to be tolerated. In summary, the available evidence is currently insufficient to determine the role of this variant in disease. Therefore, it has been classified as a Variant of Uncertain Significance.

Mayo Clinic Laboratories, Mayo Clinic
Classification: Uncertain significance. Last evaluated: 2024-04-01. Review status: criteria provided, single submitter. Criteria: ACMG Guidelines, 2015. Collection method: clinical testing. Allele origin: germline. Observed: 1 variant allele.
Comment: BP4, PM2

Ambry Genetics
Classification: Uncertain significance. Last evaluated: 2022-05-09. Review status: criteria provided, single submitter. Criteria: Ambry Variant Classification Scheme 2023. Collection method: clinical testing. Allele origin: germline.

NM_022916.6(VPS33A):c.821G>A (p.Gly274Asp)

Gene: VPS33A (VPS33A core subunit of CORVET and HOPS complexes; minus strand). Cytogenetic location: 12q24.31.
Variant type: single nucleotide variant.
Coding change: c.821G>A on transcript NM_022916.6 (MANE Select); coding-DNA position 821, G replaced by A.
Protein change: p.Gly274Asp; replaces glycine 274 with aspartic acid.
Molecular consequence: missense variant. On other transcripts: intron variant (1).
Genome position (GRCh38, 1-based): chr12:122,244,717, C>T on the plus strand (G>A on the coding strand, the complement: VPS33A is on the minus strand). VCF-style: chr12-122244717-C-T. GRCh37 (hg19) VCF-style: chr12-122729264-C-T.
Other names: p.Gly274Asp; c.788G>A, p.Gly263Asp (NM_001351018.2); c.773G>A, p.Gly258Asp (NM_001351019.2); c.776-4772G>A (NM_001351020.2); short protein forms G258D, G263D, G274D.
Identifiers: ClinVar variation 2336930 (VCV002336930.4), dbSNP rs762088973, ClinGen allele CA6844493.